The following is an entry in ClinVar:

ClinVar aggregate classification (germline): Likely benign (0 of 4 stars; one submission).

Conditions:
BTN2A2-related disorder. Also called: BTN2A2-related condition.

Allele frequency attached by ClinVar (database versions not stated): TOPMed 0.00003; 1000 Genomes Project 30x 0.00016.
gnomAD v4.1: 29 of 1,614,198 alleles (0.0018%); highest among the groups gnomAD compares: South Asian, 0.015%; no homozygotes.

Submission:

PreventionGenetics, part of Exact Sciences
Classification: Likely benign for BTN2A2-related condition. Last evaluated: 2019-05-21. Review status: no assertion criteria provided. Collection method: clinical testing. Allele origin: germline.
Comment: This variant is classified as likely benign based on ACMG/AMP sequence variant interpretation guidelines (Richards et al. 2015 PMID: 25741868, with internal and published modifications).

NM_006995.5(BTN2A2):c.1095C>T (p.Phe365=)

Gene: BTN2A2 (butyrophilin subfamily 2 member A2; plus strand). Cytogenetic location: 6p22.2.
Variant type: single nucleotide variant.
Coding change: c.1095C>T on transcript NM_006995.5 (MANE Select); coding-DNA position 1095, C replaced by T.
Protein change: p.Phe365=; no amino-acid change (phenylalanine 365 retained).
Molecular consequence: synonymous variant. On other transcripts: 3 prime UTR variant (1), intron variant (1).
Genome position (GRCh38, 1-based): chr6:26,392,490, C>T. VCF-style: chr6-26392490-C-T. GRCh37 (hg19) VCF-style: chr6-26392718-C-T.
Other names: c.1095C>T, p.Phe365= (NM_001197237.2); c.465C>T, p.Phe155= (NM_001197239.2); c.*195C>T (NM_001197240.2); c.747C>T, p.Phe249= (NM_181531.3); c.979+1661C>T (NM_001197238.2).
Identifiers: ClinVar variation 3039298 (VCV003039298.2), dbSNP rs776923192, ClinGen allele CA3672614.
Genomic context (GRCh38, chr6:26,392,490, plus strand): 5'-CCGGAGAAGTGTGAGGCGGGGCCCCTACAGGCAGAGAGTGCCTGACAACCCAGAGAGATT[C>T]GACAGTCAGCCTTGTGTCCTGGGATGGGAGAGCTTCGCCTCAGGGAAACATTACTGGGAG-3'
Protein context (NP_008926.2, residues 355-375): RQRVPDNPER[Phe365=]DSQPCVLGWE